The following is an entry in ClinVar:

NM_033026.6(PCLO):c.943C>G (p.Pro315Ala)

Gene: PCLO (piccolo presynaptic cytomatrix protein; minus strand). Cytogenetic location: 7q21.11.
Variant type: single nucleotide variant.
Coding change: c.943C>G on transcript NM_033026.6 (MANE Select); coding-DNA position 943, C replaced by G.
Protein change: p.Pro315Ala; replaces proline 315 with alanine.
Molecular consequence: missense variant.
Genome position (GRCh38, 1-based): chr7:83,155,698, G>C on the plus strand (C>G on the coding strand, the complement: PCLO is on the minus strand). VCF-style: chr7-83155698-G-C. GRCh37 (hg19) VCF-style: chr7-82785014-G-C.
Other names: c.943C>G, p.Pro315Ala (NM_014510.3); short protein forms P315A.
Identifiers: ClinVar variation 713790 (VCV000713790.32), dbSNP rs61744447, ClinGen allele CA4321571.
Genomic context (GRCh38, chr7:83,155,698, plus strand): 5'-GCTGAGCTGGGGGCTTTGCAGGCCCAGGCTGTGATTTTTCATGTCCAGGCTGCTGTGCTG[G>C]AGGTTTTCCAGGAGTTGGTTGCTGAATAGGTGGTTTGGATGGGCTTGGCAGTGAGGGTTT-3'
Protein context (NP_149015.2, residues 305-325): PIQQPTPGKP[Pro315Ala]AQQPGHEKSQ

ClinVar aggregate classification (germline): Benign/Likely benign. Review status: criteria provided, multiple submitters, no conflicts (2 of 4 stars). 3 submissions from 3 submitters: Benign (2); Likely benign (1). Last evaluated 2026-02-03.

Allele frequency attached by ClinVar (database versions not stated): 1000 Genomes Project 30x 0.00156; 1000 Genomes Project 0.00200; TOPMed 0.00324; ESP Exome Variant Server 0.00383; gnomAD exomes 0.00514 and 0.00663; ExAC 0.00594; gnomAD 0.00623 and 0.00649.

Submissions (3):

Labcorp Genetics (formerly Invitae), Labcorp
Classification: Benign. Last evaluated: 2026-02-03. Review status: criteria provided, single submitter. Criteria: Invitae Variant Classification Sherloc (09022015). Collection method: clinical testing. Allele origin: germline.

CeGaT Center for Human Genetics Tuebingen
Classification: Likely benign. Last evaluated: 2024-10-01. Review status: criteria provided, single submitter. Criteria: CeGaT Center For Human Genetics Tuebingen Variant Classification Criteria Version 2. Collection method: clinical testing. Allele origin: germline. Affected: yes. Observed: 11 variant alleles.
Comment: PCLO: BP4, BS2

Breakthrough Genomics
Classification: Benign. Review status: criteria provided, single submitter. Criteria: ACMG Guidelines, 2015. Collection method: not provided. Allele origin: germline. Inheritance: Autosomal recessive inheritance. Affected: yes.